The following is an entry in ClinVar:

NM_020988.3(GNAO1):c.811A>G (p.Lys271Glu)

Gene: GNAO1 (G protein subunit alpha o1; plus strand). Cytogenetic location: 16q13.
Variant type: single nucleotide variant.
Coding change: c.811A>G on transcript NM_020988.3 (MANE Select); coding-DNA position 811, A replaced by G.
Protein change: p.Lys271Glu; replaces lysine 271 with glutamic acid.
Molecular consequence: missense variant.
Genome position (GRCh38, 1-based): chr16:56,351,471, A>G. VCF-style: chr16-56351471-A-G. GRCh37 (hg19) VCF-style: chr16-56385383-A-G.
Other names: short protein forms K271E.
Identifiers: ClinVar variation 461357 (VCV000461357.10), dbSNP rs1555508311, ClinGen allele CA395954783.

ClinVar aggregate classification (germline): Uncertain significance. Review status: criteria provided, single submitter (1 of 4 stars). 2 submissions from 2 submitters: Uncertain significance (1). 1 of the submissions does not count toward it. Last evaluated 2024-02-05.

Conditions:
Early-infantile DEE. Also called: Early infantile epileptic encephalopathy with suppression bursts; Early infantile epileptic encephalopathy; Ohtahara syndrome. Identifiers: Orphanet 1934, MedGen C0393706, MONDO:0800491.
Neurodevelopmental disorder with involuntary movements (NEDIM). Identifiers: Orphanet 592564, MedGen C4479569, MONDO:0060491, OMIM 617493.

Submissions (2):

Labcorp Genetics (formerly Invitae), Labcorp
Classification: Uncertain significance for Early-infantile DEE. Last evaluated: 2024-02-05. Review status: criteria provided, single submitter. Criteria: Invitae Variant Classification Sherloc (09022015). Collection method: clinical testing. Allele origin: germline.
Comment: This sequence change replaces lysine, which is basic and polar, with glutamic acid, which is acidic and polar, at codon 271 of the GNAO1 protein (p.Lys271Glu). This variant is not present in population databases (gnomAD no frequency). This variant has not been reported in the literature in individuals affected with GNAO1-related conditions. ClinVar contains an entry for this variant (Variation ID: 461357). Advanced modeling of protein sequence and biophysical properties (such as structural, functional, and spatial information, amino acid conservation, physicochemical variation, residue mobility, and thermodynamic stability) performed at Invitae indicates that this missense variant is expected to disrupt GNAO1 protein function with a positive predictive value of 95%. In summary, the available evidence is currently insufficient to determine the role of this variant in disease. Therefore, it has been classified as a Variant of Uncertain Significance.

Center of Excellence for Medical Genomics, Chulalongkorn University
Classification: Likely pathogenic for Neurodevelopmental disorder with involuntary movements. Last evaluated: 2002-09-08. Review status: no assertion criteria provided. Collection method: research. Allele origin: de novo. Affected: yes. Not counted in ClinVar's aggregate classification.